The following is an entry in ClinVar:

ClinVar aggregate classification (germline): Uncertain significance (1 of 4 stars; one submission).

Conditions:
Charcot-Marie-Tooth disease dominant intermediate B (CMTDIB). Also called: Charcot-Marie-Tooth disease dominant intermediate 1; CMT DI1; Charcot-Marie-Tooth disease dominant intermediate I; CHARCOT-MARIE-TOOTH NEUROPATHY, DOMINANT INTERMEDIATE B. Identifiers: Orphanet 100044, Orphanet 228179, MedGen C1847902, MONDO:0011674, OMIM 606482.

Submission:

Labcorp Genetics (formerly Invitae), Labcorp
Classification: Uncertain significance for Charcot-Marie-Tooth disease dominant intermediate B. Last evaluated: 2021-09-09. Review status: criteria provided, single submitter. Criteria: Invitae Variant Classification Sherloc (09022015). Collection method: clinical testing. Allele origin: germline.
Comment: This variant has not been reported in the literature in individuals affected with DNM2-related conditions. This variant is not present in population databases (ExAC no frequency). This sequence change replaces serine with cysteine at codon 706 of the DNM2 protein (p.Ser706Cys). The serine residue is moderately conserved and there is a moderate physicochemical difference between serine and cysteine. Algorithms developed to predict the effect of missense changes on protein structure and function are either unavailable or do not agree on the potential impact of this missense change (SIFT: "Deleterious"; PolyPhen-2: "Possibly Damaging"; Align-GVGD: "Class C0"). In summary, the available evidence is currently insufficient to determine the role of this variant in disease. Therefore, it has been classified as a Variant of Uncertain Significance.

NM_001005361.3(DNM2):c.2116A>T (p.Ser706Cys)

Gene: DNM2 (dynamin 2; plus strand). Cytogenetic location: 19p13.2.
Variant type: single nucleotide variant.
Coding change: c.2116A>T on transcript NM_001005361.3 (MANE Select); coding-DNA position 2116, A replaced by T.
Protein change: p.Ser706Cys; replaces serine 706 with cysteine.
Molecular consequence: missense variant.
Genome position (GRCh38, 1-based): chr19:10,829,093, A>T. VCF-style: chr19-10829093-A-T. GRCh37 (hg19) VCF-style: chr19-10939769-A-T.
Other names: c.2116A>T, p.Ser706Cys (NM_001005360.3, NM_001190716.2); c.2104A>T, p.Ser702Cys (NM_001005362.3, NM_004945.4); short protein forms S702C, S706C.
Identifiers: ClinVar variation 1380367 (VCV001380367.6), dbSNP rs2146205490, ClinGen allele CA404042289.
Genomic context (GRCh38, chr19:10,829,093, plus strand): 5'-CAGACGAAGGCCTTCATCCACCACGAGCTGCTGGCCTACCTATACTCCTCGGCAGACCAG[A>T]GCAGCCTCATGGAGGAGTCGGCTGACCAGGCACAGCGGCGGGACGACATGCTGCGCATGT-3'
Protein context (NP_001005361.1, residues 696-716): LAYLYSSADQ[Ser706Cys]SLMEESADQA